The following is an entry in ClinVar:

ClinVar aggregate classification (germline): Benign/Likely benign. Review status: criteria provided, multiple submitters, no conflicts (2 of 4 stars). 5 submissions from 5 submitters: Benign (3); Likely benign (2). Last evaluated 2026-01-23.

Conditions:
Cornelia de Lange syndrome 1 (CDLS1). Also called: Brachmann de Lange syndrome; NIPBL-Related Cornelia de Lange Syndrome; TYPUS DEGENERATIVUS AMSTELODAMENSIS. Identifiers: Orphanet 199, MedGen C4551851, MONDO:0007387, OMIM 122470.

Allele frequency attached by ClinVar (database versions not stated): gnomAD exomes 0.00021 and 0.00057; ExAC 0.00069; 1000 Genomes Project 30x 0.00141; 1000 Genomes Project 0.00160; gnomAD 0.00213 and 0.00230; ESP Exome Variant Server 0.00231; TOPMed 0.00264.
gnomAD v4.1: 654 of 1,611,392 alleles (0.041%); highest among the groups gnomAD compares: African/African-American, 0.75%; 3 homozygotes.

Submissions (5):

Labcorp Genetics (formerly Invitae), Labcorp
Classification: Benign for Cornelia de Lange syndrome 1. Last evaluated: 2026-01-23. Review status: criteria provided, single submitter. Criteria: Invitae Variant Classification Sherloc (09022015). Collection method: clinical testing. Allele origin: germline.

Blueprint Genetics
Classification: Likely benign. Last evaluated: 2024-11-05. Review status: criteria provided, single submitter. Criteria: ACMG Guidelines, 2015. Collection method: clinical testing. Allele origin: germline.

Genome-Nilou Lab
Classification: Benign for Cornelia de Lange syndrome 1. Last evaluated: 2021-07-15. Review status: criteria provided, single submitter. Criteria: ACMG Guidelines, 2015. Collection method: clinical testing. Allele origin: germline. Affected: no.

GeneDx
Classification: Likely benign. Last evaluated: 2017-12-29. Review status: criteria provided, single submitter. Criteria: GeneDx Variant Classification (06012015). Collection method: clinical testing. Allele origin: germline. Affected: yes.
Comment: This variant is considered likely benign or benign based on one or more of the following criteria: it is a conservative change, it occurs at a poorly conserved position in the protein, it is predicted to be benign by multiple in silico algorithms, and/or has population frequency not consistent with disease.

PreventionGenetics, part of Exact Sciences
Classification: Benign. Review status: criteria provided, single submitter. Criteria: ACMG Guidelines, 2015. Collection method: clinical testing. Allele origin: germline.

NM_133433.4(NIPBL):c.3502+17A>C

Gene: NIPBL (NIPBL cohesin loading factor; plus strand). Cytogenetic location: 5p13.2.
Variant type: single nucleotide variant.
Coding change: c.3502+17A>C on transcript NM_133433.4 (MANE Select); 17 bases into the intron after coding-DNA position 3502, A replaced by C.
Molecular consequence: intron variant.
Genome position (GRCh38, 1-based): chr5:37,000,587, A>C. VCF-style: chr5-37000587-A-C. GRCh37 (hg19) VCF-style: chr5-37000689-A-C.
Other names: c.3502+17A>C (NM_015384.5).
Identifiers: ClinVar variation 262346 (VCV000262346.11), dbSNP rs144725401, ClinGen allele CA3236347.
Genomic context (GRCh38, chr5:37,000,587, plus strand): 5'-TTCTGACATGGAAGATTATTCTCCTCCTCCCAGCCTTAGTGAGGGTAATTCATCAGTGTC[A>C]ACGGATTTCTTACATAAACCAATTTAAATTTAGGGCTTTAACTTTGAAGAATATTTTATA-3'